The following is an entry in ClinVar:

NM_198578.4(LRRK2):c.2159A>C (p.Asn720Thr)

Gene: LRRK2 (leucine rich repeat kinase 2; plus strand). Cytogenetic location: 12q12.
Variant type: single nucleotide variant.
Coding change: c.2159A>C on transcript NM_198578.4 (MANE Select); coding-DNA position 2159, A replaced by C.
Protein change: p.Asn720Thr; replaces asparagine 720 with threonine.
Molecular consequence: missense variant.
Genome position (GRCh38, 1-based): chr12:40,278,179, A>C. VCF-style: chr12-40278179-A-C. GRCh37 (hg19) VCF-style: chr12-40671981-A-C.
Other names: short protein forms N720T.
Identifiers: ClinVar variation 1786847 (VCV001786847.2), dbSNP rs71653639, ClinGen allele CA384405159.

ClinVar aggregate classification (germline): Uncertain significance (1 of 4 stars; one submission).

Conditions:
Inborn genetic diseases. Identifiers: MedGen C0950123, MeSH D030342.

Submission:

Ambry Genetics
Classification: Uncertain significance for Inborn genetic diseases. Last evaluated: 2022-09-13. Review status: criteria provided, single submitter. Criteria: Ambry Variant Classification Scheme 2023. Collection method: clinical testing. Allele origin: germline.
Comment: The p.N720T variant (also known as c.2159A>C), located in coding exon 18 of the LRRK2 gene, results from an A to C substitution at nucleotide position 2159. The asparagine at codon 720 is replaced by threonine, an amino acid with similar properties. This amino acid position is conserved. In addition, this alteration is predicted to be tolerated by in silico analysis. Since supporting evidence is limited at this time, the clinical significance of this alteration remains unclear.